The following is an entry in ClinVar:

NM_004738.5(VAPB):c.545G>A (p.Arg182Lys)

Gene: VAPB (VAMP associated protein B and C; plus strand). Cytogenetic location: 20q13.32.
Variant type: single nucleotide variant.
Coding change: c.545G>A on transcript NM_004738.5 (MANE Select); coding-DNA position 545, G replaced by A.
Protein change: p.Arg182Lys; replaces arginine 182 with lysine.
Molecular consequence: missense variant. On other transcripts: non-coding transcript variant (1), intron variant (1).
Genome position (GRCh38, 1-based): chr20:58,441,055, G>A. VCF-style: chr20-58441055-G-A. GRCh37 (hg19) VCF-style: chr20-57016111-G-A.
Other names: c.212-3022G>A (NM_001195677.2); short protein forms R182K.
Identifiers: ClinVar variation 574815 (VCV000574815.11), dbSNP rs1568720020, ClinGen allele CA409439822.

ClinVar aggregate classification (germline): Uncertain significance. Review status: criteria provided, multiple submitters, no conflicts (2 of 4 stars). 2 submissions from 2 submitters: Uncertain significance (2). Last evaluated 2022-05-21.

Conditions:
Inborn genetic diseases. Identifiers: MedGen C0950123, MeSH D030342.
Amyotrophic lateral sclerosis type 8 (ALS8). Identifiers: Orphanet 803, MedGen C1837728, MONDO:0012077, OMIM 608627.
Adult-onset proximal spinal muscular atrophy, autosomal dominant. Also called: FINKEL LATE-ADULT TYPE SMA; Spinal muscular atrophy, late-onset, finkel type. Identifiers: Orphanet 209335, MedGen C1854058, MONDO:0008453, OMIM 182980.

Allele frequency attached by ClinVar (database versions not stated): gnomAD exomes below 0.00001.
gnomAD v4.1: 1 of 1,614,064 alleles (0.000062%); highest among the groups gnomAD compares: Non-Finnish European, 0.000085%; no homozygotes.

Submissions (2):

Ambry Genetics
Classification: Uncertain significance for Inborn genetic diseases. Last evaluated: 2022-05-21. Review status: criteria provided, single submitter. Criteria: Ambry Variant Classification Scheme 2023. Collection method: clinical testing. Allele origin: germline.
Comment: The p.R182K variant (also known as c.545G>A), located in coding exon 5 of the VAPB gene, results from a G to A substitution at nucleotide position 545. The arginine at codon 182 is replaced by lysine, an amino acid with highly similar properties. This amino acid position is conserved. In addition, this alteration is predicted to be tolerated by in silico analysis. Since supporting evidence is limited at this time, the clinical significance of this alteration remains unclear.

Labcorp Genetics (formerly Invitae), Labcorp
Classification: Uncertain significance for Adult-onset proximal spinal muscular atrophy, autosomal dominant; Amyotrophic lateral sclerosis type 8. Last evaluated: 2021-06-30. Review status: criteria provided, single submitter. Criteria: Invitae Variant Classification Sherloc (09022015). Collection method: clinical testing. Allele origin: germline.
Comment: In summary, the available evidence is currently insufficient to determine the role of this variant in disease. Therefore, it has been classified as a Variant of Uncertain Significance. Algorithms developed to predict the effect of missense changes on protein structure and function do not agree on the potential impact of this missense change (SIFT: "Tolerated"; PolyPhen-2: "Probably Damaging"; Align-GVGD: "Class C0"). This variant has not been reported in the literature in individuals with VAPB-related disease. This variant is not present in population databases (ExAC no frequency). This sequence change replaces arginine with lysine at codon 182 of the VAPB protein (p.Arg182Lys). The arginine residue is moderately conserved and there is a small physicochemical difference between arginine and lysine.